The following is an entry in ClinVar:

ClinVar aggregate classification (germline): Likely pathogenic (0 of 4 stars; one submission).

Conditions:
LMX1B-related disorder. Also called: LMX1B-related condition.

Submission:

PreventionGenetics, part of Exact Sciences
Classification: Likely pathogenic for LMX1B-related condition. Last evaluated: 2023-10-30. Review status: no assertion criteria provided. Collection method: clinical testing. Allele origin: germline.
Comment: The LMX1B c.844delC variant is predicted to result in a frameshift and premature protein termination (p.Gln282Serfs*24). To our knowledge, this variant has not been reported in the literature or in a large population database, indicating this variant is rare. Frameshift variants in LMX1B are expected to be pathogenic. This variant is interpreted as likely pathogenic.

NM_001174147.2(LMX1B):c.844del (p.Gln282fs)

Gene: LMX1B (LIM homeobox transcription factor 1 beta; plus strand). Cytogenetic location: 9q33.3.
Variant type: Deletion.
Coding change: c.844del on transcript NM_001174147.2 (MANE Select); coding-DNA position 844, one base deleted (C; older notation c.844delC).
Protein change: p.Gln282fs; shifts the reading frame from glutamine 282.
Molecular consequence: frameshift variant.
Genome position (GRCh38, 1-based): chr9:126,693,770, C deleted; the last of 2 consecutive C bases (chr9:126,693,769-126,693,770); deleting either gives the same sequence. VCF-style (leftmost placement, unchanged base first): chr9-126693768-AC-A. GRCh37 (hg19) VCF-style: chr9-129456047-AC-A.
Other names: c.844del, p.Gln282fs (NM_001174146.2, NM_002316.4); short protein forms Q282fs.
Identifiers: ClinVar variation 3038309 (VCV003038309.2), dbSNP rs2490689989, ClinGen allele CA2691710642.
Genomic context (GRCh38, chr9:126,693,768, plus strand): 5'-GAGGGGCAGCACCGGCCTGAACTGCGCTCTCCCTGCAGATGAAGAAGCTGGCGCGGCGGC[AC>A]CAGCAGCAGCAGGAGCAGCAGAACTCCCAGCGGCTGGGCCAGGGTGAGCCGGGGCCGGGG-3'